The following is an entry in ClinVar:

ClinVar aggregate classification (germline): Uncertain significance. Review status: criteria provided, multiple submitters, no conflicts (2 of 4 stars). 2 submissions from 2 submitters: Uncertain significance (2). Last evaluated 2023-01-23.

Conditions:
Charcot-Marie-Tooth disease axonal type 2O. Also called: CHARCOT-MARIE-TOOTH NEUROPATHY, AXONAL, TYPE 2O; CHARCOT-MARIE-TOOTH DISEASE, AXONAL, AUTOSOMAL DOMINANT, TYPE 2O; Charcot-Marie-Tooth Neuropathy Type 2O; Charcot-Marie-Tooth disease, axonal, type 20. Identifiers: Orphanet 284232, MedGen C3280220, MONDO:0013644, OMIM 614228.
Inborn genetic diseases. Identifiers: MedGen C0950123, MeSH D030342.

gnomAD v4.1: 28 of 1,614,068 alleles (0.0017%); highest among the groups gnomAD compares: Non-Finnish European, 0.0024%; no homozygotes.

Submissions (2):

Labcorp Genetics (formerly Invitae), Labcorp
Classification: Uncertain significance for Charcot-Marie-Tooth disease axonal type 2O. Last evaluated: 2023-01-23. Review status: criteria provided, single submitter. Criteria: Invitae Variant Classification Sherloc (09022015). Collection method: clinical testing. Allele origin: germline.
Comment: In summary, the available evidence is currently insufficient to determine the role of this variant in disease. Therefore, it has been classified as a Variant of Uncertain Significance. Algorithms developed to predict the effect of missense changes on protein structure and function (SIFT, PolyPhen-2, Align-GVGD) all suggest that this variant is likely to be tolerated. ClinVar contains an entry for this variant (Variation ID: 1761820). This variant has not been reported in the literature in individuals affected with DYNC1H1-related conditions. This variant is present in population databases (rs767469923, gnomAD 0.002%). This sequence change replaces methionine, which is neutral and non-polar, with leucine, which is neutral and non-polar, at codon 2686 of the DYNC1H1 protein (p.Met2686Leu).

Ambry Genetics
Classification: Uncertain significance for Inborn genetic diseases. Last evaluated: 2021-10-22. Review status: criteria provided, single submitter. Criteria: Ambry Variant Classification Scheme 2023. Collection method: clinical testing. Allele origin: germline.
Comment: The p.M2686L variant (also known as c.8056A>T) is located in coding exon 40 of the DYNC1H1 gene. The methionine at codon 2686 is replaced by leucine, an amino acid with highly similar properties. This change occurs in the first base pair of coding exon 40. This amino acid position is conserved. In addition, the in silico prediction for this alteration is inconclusive. Since supporting evidence is limited at this time, the clinical significance of this alteration remains unclear.

NM_001376.5(DYNC1H1):c.8056A>T (p.Met2686Leu)

Gene: DYNC1H1 (dynein cytoplasmic 1 heavy chain 1; plus strand). Cytogenetic location: 14q32.31.
Variant type: single nucleotide variant.
Coding change: c.8056A>T on transcript NM_001376.5 (MANE Select); coding-DNA position 8056, A replaced by T.
Protein change: p.Met2686Leu; replaces methionine 2686 with leucine.
Molecular consequence: missense variant.
Genome position (GRCh38, 1-based): chr14:102,017,383, A>T. VCF-style: chr14-102017383-A-T. GRCh37 (hg19) VCF-style: chr14-102483720-A-T.
Other names: short protein forms M2686L.
Identifiers: ClinVar variation 1761820 (VCV001761820.5), dbSNP rs767469923, ClinGen allele CA266953589.